The following is an entry in ClinVar:

ClinVar aggregate classification (germline): Pathogenic/Likely pathogenic. Review status: criteria provided, multiple submitters, no conflicts (2 of 4 stars). 4 submissions from 4 submitters: Pathogenic (1); Likely pathogenic (3). Last evaluated 2025-04-14.

Conditions:
TMEM237-related disorder. Also called: TMEM237-related condition.
Joubert syndrome 14 (JBTS14). Identifiers: MedGen C3280766, MONDO:0013745, OMIM 614424.

Allele frequency attached by ClinVar (database versions not stated): gnomAD exomes below 0.00001 and 0.00001; gnomAD 0.00001; TOPMed 0.00001.

Submissions (4):

Labcorp Genetics (formerly Invitae), Labcorp
Classification: Pathogenic for Joubert syndrome 14. Last evaluated: 2025-04-14. Review status: criteria provided, single submitter. Criteria: Invitae Variant Classification Sherloc (09022015). Collection method: clinical testing. Allele origin: germline.
Comment: This sequence change affects a donor splice site in intron 8 of the TMEM237 gene. It is expected to disrupt RNA splicing. Variants that disrupt the donor or acceptor splice site typically lead to a loss of protein function (PMID: 16199547), and loss-of-function variants in TMEM237 are known to be pathogenic (PMID: 22152675). This variant is present in population databases (no rsID available, gnomAD 0.01%). Disruption of this splice site has been observed in individual(s) with Joubert syndrome (internal data). ClinVar contains an entry for this variant (Variation ID: 654117). Algorithms developed to predict the effect of sequence changes on RNA splicing suggest that this variant may disrupt the consensus splice site. For these reasons, this variant has been classified as Pathogenic.

Fulgent Genetics
Classification: Likely pathogenic for Joubert syndrome 14. Last evaluated: 2024-05-28. Review status: criteria provided, single submitter. Criteria: ACMG Guidelines, 2015. Collection method: clinical testing. Allele origin: germline.

Blueprint Genetics
Classification: Likely pathogenic for TMEM237-related disorders. Last evaluated: 2021-09-17. Review status: criteria provided, single submitter. Criteria: ACMG Guidelines, 2015. Collection method: clinical testing. Allele origin: germline. Affected: yes. Observed: 1 variant allele.

Juno Genomics, Hangzhou Juno Genomics, Inc
Classification: Likely pathogenic for Joubert syndrome 14. Review status: criteria provided, single submitter. Criteria: ACMG Guidelines, 2015. Collection method: clinical testing. Allele origin: germline.
Comment: Null variant in a gene where loss of function (LOF) is a known mechanism of disease.;Absent from controls (or at extremely low frequency if recessive) in Genome Aggregation Database.

Literature cited by the submitters: PubMed 16199547 (cited by Labcorp Genetics (formerly Invitae), Labcorp); PubMed 22152675 (cited by Labcorp Genetics (formerly Invitae), Labcorp).

NM_001044385.3(TMEM237):c.677+1G>A

Gene: TMEM237 (transmembrane protein 237; minus strand). Cytogenetic location: 2q33.1.
Variant type: single nucleotide variant.
Coding change: c.677+1G>A on transcript NM_001044385.3 (MANE Select); the canonical splice donor site of the intron after coding-DNA position 677, G replaced by A.
Molecular consequence: splice donor variant.
Genome position (GRCh38, 1-based): chr2:201,629,728, C>T on the plus strand (G>A on the coding strand, the complement: TMEM237 is on the minus strand). VCF-style: chr2-201629728-C-T. GRCh37 (hg19) VCF-style: chr2-202494451-C-T.
Other names: c.653+1G>A (NM_152388.4).
Identifiers: ClinVar variation 654117 (VCV000654117.11), dbSNP rs793888505, ClinGen allele CA350310030.
Genomic context (GRCh38, chr2:201,629,728, plus strand): 5'-TTCTTTAATTACAGAACTCAGTTAACATTTATTTTAAGAAAAGTCCAACAAAAGCAGCCA[C>T]CTGAAAGCCCGGTGCACTGTAAGTGCCACATCTCTGGTGGTCCAGGAAGGCTTCACGTCC-3'